The following is an entry in ClinVar:

NM_001365088.1(SLC12A6):c.*3403G>A

Gene: SLC12A6 (solute carrier family 12 member 6; minus strand). Cytogenetic location: 15q14.
Variant type: single nucleotide variant.
Coding change: c.*3403G>A on transcript NM_001365088.1 (MANE Select); 3403 bases downstream of the stop codon, G replaced by A.
Molecular consequence: 3 prime UTR variant.
Genome position (GRCh38, 1-based): chr15:34,230,478, C>T on the plus strand (G>A on the coding strand, the complement: SLC12A6 is on the minus strand). VCF-style: chr15-34230478-C-T. GRCh37 (hg19) VCF-style: chr15-34522679-C-T.
Other names: c.*3403G>A (NM_001042494.2, NM_001042495.2, NM_001042496.2 and 3 more transcripts).
Identifiers: ClinVar variation 315550 (VCV000315550.5), dbSNP rs4530104, ClinGen allele CA10641568.

ClinVar aggregate classification (germline): Benign (1 of 4 stars; one submission).

Conditions:
Agenesis of the corpus callosum with peripheral neuropathy (ACCPN). Also called: CHARLEVOIX DISEASE; POLYNEUROPATHY, SENSORIMOTOR, WITH OR WITHOUT AGENESIS OF THE CORPUS CALLOSUM; HMSN/ACC; Hereditary Motor and Sensory Neuropathy with Agenesis of the Corpus Callosum. Identifiers: Orphanet 1496, MedGen C0795950, MONDO:0000902, OMIM 218000. Disease mechanism: loss of function.

Allele frequency attached by ClinVar (database versions not stated): 1000 Genomes Project 30x 0.54310; 1000 Genomes Project 0.54493; TOPMed 0.57179; gnomAD 0.57931 and 0.58406; gnomAD exomes 0.75000.
gnomAD v4.1: 89,151 of 152,376 alleles (59%); highest among the groups gnomAD compares: East Asian, 69%; 27,763 homozygotes.

Submission:

Illumina Laboratory Services, Illumina
Classification: Benign for Agenesis of the corpus callosum with peripheral neuropathy. Last evaluated: 2018-01-12. Review status: criteria provided, single submitter. Criteria: ICSL Variant Classification Criteria 13 December 2019. Collection method: clinical testing. Allele origin: germline.
Comment: This variant was observed in the ICSL laboratory as part of a predisposition screen in an ostensibly healthy population. It had not been previously curated by ICSL or reported in the Human Gene Mutation Database (HGMD: prior to June 1st, 2018), and was therefore a candidate for classification through an automated scoring system. Utilizing variant allele frequency, disease prevalence and penetrance estimates, and inheritance mode, an automated score was calculated to assess if this variant is too frequent to cause the disease. Based on the score and internal cut-off values, a variant classified as benign is not then subjected to further curation. The score for this variant resulted in a classification of benign for this disease.